The following is an entry in ClinVar:

ClinVar aggregate classification (germline): Uncertain significance (1 of 4 stars; one submission).

Submission:

GeneDx
Classification: Uncertain significance. Last evaluated: 2022-09-12. Review status: criteria provided, single submitter. Criteria: GeneDx Variant Classification Process June 2021. Collection method: clinical testing. Allele origin: germline. Affected: yes.
Comment: Not observed at significant frequency in large population cohorts (gnomAD); In silico analysis supports that this missense variant has a deleterious effect on protein structure/function; Has not been previously published as pathogenic or benign to our knowledge

NM_001098511.3(KIF2A):c.593T>A (p.Met198Lys)

Gene: KIF2A (kinesin family member 2A; plus strand). Cytogenetic location: 5q12.1.
Variant type: single nucleotide variant.
Coding change: c.593T>A on transcript NM_001098511.3 (MANE Select); coding-DNA position 593, T replaced by A.
Protein change: p.Met198Lys; replaces methionine 198 with lysine.
Molecular consequence: missense variant.
Genome position (GRCh38, 1-based): chr5:62,355,193, T>A. VCF-style: chr5-62355193-T-A. GRCh37 (hg19) VCF-style: chr5-61651020-T-A.
Other names: c.536T>A, p.Met179Lys (NM_001243953.2); c.593T>A, p.Met198Lys (NM_004520.5); c.512T>A, p.Met171Lys (NM_001243952.2); short protein forms M171K, M179K, M198K.
Identifiers: ClinVar variation 2443506 (VCV002443506.1), dbSNP rs1748040065, ClinGen allele CA359949406.